The following is an entry in ClinVar:

NM_005560.6(LAMA5):c.96G>C (p.Ala32=)

Genes: LAMA5 (laminin subunit alpha 5; minus strand), LOC130066305 (ATAC-STARR-seq lymphoblastoid silent region 13109; plus strand). Cytogenetic location: 20q13.33.
Variant type: single nucleotide variant.
Coding change: c.96G>C on transcript NM_005560.6 (MANE Select); coding-DNA position 96, G replaced by C.
Protein change: p.Ala32=; no amino-acid change (alanine 32 retained).
Molecular consequence: synonymous variant.
Genome position (GRCh38, 1-based): chr20:62,367,150, C>G on the plus strand (G>C on the coding strand, the complement: LAMA5 is on the minus strand). VCF-style: chr20-62367150-C-G. GRCh37 (hg19) VCF-style: chr20-60942206-C-G.
Identifiers: ClinVar variation 3354903 (VCV003354903.3).

ClinVar aggregate classification (germline): Likely benign. Review status: criteria provided, single submitter (1 of 4 stars). 2 submissions from 2 submitters: Likely benign (1). 1 of the submissions does not count toward it. Last evaluated 2024-12-09.

Conditions:
LAMA5-related disorder. Also called: LAMA5-related condition; LAMA5-Related Disorders.

Submissions (2):

Labcorp Genetics (formerly Invitae), Labcorp
Classification: Likely benign. Last evaluated: 2024-12-09. Review status: criteria provided, single submitter. Criteria: Invitae Variant Classification Sherloc (09022015). Collection method: clinical testing. Allele origin: germline.

PreventionGenetics, part of Exact Sciences
Classification: Likely benign for LAMA5-related condition. Last evaluated: 2024-03-27. Review status: no assertion criteria provided. Collection method: clinical testing. Allele origin: germline. Not counted in ClinVar's aggregate classification.
Comment: This variant is classified as likely benign based on ACMG/AMP sequence variant interpretation guidelines (Richards et al. 2015 PMID: 25741868, with internal and published modifications).